The following is an entry in ClinVar:

ClinVar aggregate classification (germline): Conflicting classifications of pathogenicity. Review status: criteria provided, conflicting classifications (1 of 4 stars). 2 submissions from 2 submitters: Likely pathogenic (1); Uncertain significance (1). Last evaluated 2020-07-28.

Conditions:
Inborn genetic diseases. Identifiers: MedGen C0950123, MeSH D030342.

Submissions (2):

Women's Health and Genetics/Laboratory Corporation of America, LabCorp
Classification: Uncertain significance. Last evaluated: 2020-07-28. Review status: criteria provided, single submitter. Criteria: LabCorp Variant Classification Summary - May 2015. Collection method: clinical testing. Allele origin: germline.
Comment: Variant summary: GBA c.1534A>T (p.Lys512X) results in a premature termination codon, predicted to cause a truncation of the encoded protein. The variant was absent in 238222 control chromosomes (gnomAD). To our knowledge, no occurrence of c.1534A>T in individuals affected with Gaucher Disease and no experimental evidence demonstrating its impact on protein function have been reported. No clinical diagnostic laboratories have submitted clinical-significance assessments for this variant to ClinVar after 2014. Based on the evidence outlined above, the variant was classified as VUS-possibly pathogenic.

Ambry Genetics
Classification: Likely pathogenic for Inborn genetic diseases. Last evaluated: 2018-04-18. Review status: criteria provided, single submitter. Criteria: Ambry exome assertion method (8-5-2015). Collection method: clinical testing. Allele origin: germline. Affected: yes. Observed: 1 variant allele.

Literature cited by the submitters: PubMed 16293621 (cited by Ambry Genetics); PubMed 27735925 (cited by Ambry Genetics); PubMed 24522292 (cited by Ambry Genetics); PubMed 1487244 (cited by Ambry Genetics).

NM_000157.4(GBA1):c.1534A>T (p.Lys512Ter)

Genes: GBA1 (glucosylceramidase beta 1; minus strand), LOC106627981 (GBA recombination region; plus strand). Cytogenetic location: 1q22.
Variant type: single nucleotide variant.
Coding change: c.1534A>T on transcript NM_000157.4 (MANE Select); coding-DNA position 1534, A replaced by T.
Protein change: p.Lys512Ter; replaces lysine 512 with a stop codon.
Molecular consequence: nonsense.
Genome position (GRCh38, 1-based): chr1:155,235,072, T>A on the plus strand (A>T on the coding strand, the complement: GBA1 is on the minus strand). VCF-style: chr1-155235072-T-A. GRCh37 (hg19) VCF-style: chr1-155204863-T-A.
Other names: c.1534A>T, p.Lys512Ter (NM_001005741.3, NM_001005742.3); c.1273A>T, p.Lys425Ter (NM_001171811.2); c.1387A>T, p.Lys463Ter (NM_001171812.2); short protein forms K425*, K463*, K512*.
Identifiers: ClinVar variation 974979 (VCV000974979.4), dbSNP rs1671660634, ClinGen allele CA342710190.
Genomic context (GRCh38, chr1:155,235,072, plus strand): 5'-GGTAGGTGTGAATGGAGTAGCCAGGTGAGATTGTCTCCAGGAAGCCCACAGCAGGATCCT[T>A]GATGGTAAGAGGCACATCCTTAGAGGAGCTAGGGAGCAGGGAGGAGAAGCTGAGAGTGTG-3'